The following is an entry in ClinVar:

ClinVar aggregate classification (germline): Uncertain significance (1 of 4 stars; one submission).

gnomAD v4.1: 6 of 1,613,442 alleles (0.00037%); highest among the groups gnomAD compares: Non-Finnish European, 0.00051%; no homozygotes.

Submission:

Labcorp Genetics (formerly Invitae), Labcorp
Classification: Uncertain significance. Last evaluated: 2024-04-02. Review status: criteria provided, single submitter. Criteria: Invitae Variant Classification Sherloc (09022015). Collection method: clinical testing. Allele origin: germline.
Comment: This sequence change replaces isoleucine, which is neutral and non-polar, with threonine, which is neutral and polar, at codon 1071 of the COL11A1 protein (p.Ile1071Thr). This variant is present in population databases (no rsID available, gnomAD 0.0009%). This variant has not been reported in the literature in individuals affected with COL11A1-related conditions. Advanced modeling of protein sequence and biophysical properties (such as structural, functional, and spatial information, amino acid conservation, physicochemical variation, residue mobility, and thermodynamic stability) has been performed at Invitae for this missense variant, however the output from this modeling did not meet the statistical confidence thresholds required to predict the impact of this variant on COL11A1 protein function. In summary, the available evidence is currently insufficient to determine the role of this variant in disease. Therefore, it has been classified as a Variant of Uncertain Significance.

NM_001854.4(COL11A1):c.3212T>C (p.Ile1071Thr)

Gene: COL11A1 (collagen type XI alpha 1 chain; minus strand). Cytogenetic location: 1p21.1.
Variant type: single nucleotide variant.
Coding change: c.3212T>C on transcript NM_001854.4 (MANE Select); coding-DNA position 3212, T replaced by C.
Protein change: p.Ile1071Thr; replaces isoleucine 1071 with threonine.
Molecular consequence: missense variant. On other transcripts: non-coding transcript variant (1).
Genome position (GRCh38, 1-based): chr1:102,946,913, A>G on the plus strand (T>C on the coding strand, the complement: COL11A1 is on the minus strand). VCF-style: chr1-102946913-A-G. GRCh37 (hg19) VCF-style: chr1-103412469-A-G.
Other names: c.3248T>C, p.Ile1083Thr (NM_080629.3); c.2864T>C, p.Ile955Thr (NM_080630.4); c.3095T>C, p.Ile1032Thr (NM_001190709.2); short protein forms I1071T, I1032T, I1083T, I955T.
Identifiers: ClinVar variation 3693793 (VCV003693793.2).
Genomic context (GRCh38, chr1:102,946,913, plus strand): 5'-GCACCTTTCTCTCCAGCTGGACCAGGAGGACCCTGAGGTCCCGGGCGCCCTGGTAAACCA[A>G]TTGGGCCAGCTGTACCTGCTGACCCACGTTCTCCTGGTGAGCCCTAGTATACAGGAAAAG-3'
Protein context (NP_001845.3, residues 1061-1081): ERGSAGTAGP[Ile1071Thr]GLPGRPGPQG